The following is an entry in ClinVar:

NM_006060.6(IKZF1):c.52C>A (p.Pro18Thr)

Gene: IKZF1 (IKAROS family zinc finger 1; plus strand). Cytogenetic location: 7p12.2.
Variant type: single nucleotide variant.
Coding change: c.52C>A on transcript NM_006060.6 (MANE Select); coding-DNA position 52, C replaced by A.
Protein change: p.Pro18Thr; replaces proline 18 with threonine.
Molecular consequence: missense variant.
Genome position (GRCh38, 1-based): chr7:50,327,649, C>A. VCF-style: chr7-50327649-C-A. GRCh37 (hg19) VCF-style: chr7-50367245-C-A.
Other names: c.52C>A, p.Pro18Thr (NM_001220765.3, NM_001220767.2, NM_001220768.2 and 14 more transcripts); short protein forms P18T.
Identifiers: ClinVar variation 1972179 (VCV001972179.6), dbSNP rs754640737, ClinGen allele CA4261194.

ClinVar aggregate classification (germline): Uncertain significance. Review status: criteria provided, multiple submitters, no conflicts (2 of 4 stars). 2 submissions from 2 submitters: Uncertain significance (2). Last evaluated 2025-10-08.

Allele frequency attached by ClinVar (database versions not stated): gnomAD exomes below 0.00001; TOPMed below 0.00001; ExAC 0.00001.
gnomAD v4.1: 12 of 1,612,362 alleles (0.00074%); highest among the groups gnomAD compares: East Asian, 0.0022%; no homozygotes.

Submissions (2):

Labcorp Genetics (formerly Invitae), Labcorp
Classification: Uncertain significance. Last evaluated: 2025-10-08. Review status: criteria provided, single submitter. Criteria: Invitae Variant Classification Sherloc (09022015). Collection method: clinical testing. Allele origin: germline.
Comment: This sequence change replaces proline, which is neutral and non-polar, with threonine, which is neutral and polar, at codon 18 of the IKZF1 protein (p.Pro18Thr). This variant is present in population databases (rs754640737, gnomAD 0.006%). This missense change has been observed in individual(s) with Acute Lymphoblastic Leukemia (PMID: 29681510). ClinVar contains an entry for this variant (Variation ID: 1972179). An algorithm developed to predict the effect of missense changes on protein structure and function (PolyPhen-2) suggests that this variant is likely to be tolerated. Experimental studies have shown that this missense change does not substantially affect IKZF1 function (PMID: 29681510). In summary, the available evidence is currently insufficient to determine the role of this variant in disease. Therefore, it has been classified as a Variant of Uncertain Significance.

Blueprint Genetics
Classification: Uncertain significance. Last evaluated: 2024-09-18. Review status: criteria provided, single submitter. Criteria: ACMG Guidelines, 2015. Collection method: clinical testing. Allele origin: germline.

Literature cited by the submitters: PubMed 29681510 (cited by Labcorp Genetics (formerly Invitae), Labcorp).